The following is an entry in ClinVar:

NM_005850.5(SF3B4):c.303C>T (p.Asn101=)

Gene: SF3B4 (splicing factor 3b subunit 4; minus strand). Cytogenetic location: 1q21.2.
Variant type: single nucleotide variant.
Coding change: c.303C>T on transcript NM_005850.5 (MANE Select); coding-DNA position 303, C replaced by T.
Protein change: p.Asn101=; no amino-acid change (asparagine 101 retained).
Molecular consequence: synonymous variant.
Genome position (GRCh38, 1-based): chr1:149,926,779, G>A on the plus strand (C>T on the coding strand, the complement: SF3B4 is on the minus strand). VCF-style: chr1-149926779-G-A. GRCh37 (hg19) VCF-style: chr1-149898671-G-A.
Identifiers: ClinVar variation 3052528 (VCV003052528.2), dbSNP rs782508916, ClinGen allele CA1071521.

ClinVar aggregate classification (germline): Likely benign (0 of 4 stars; one submission).

Conditions:
SF3B4-related disorder. Also called: SF3B4-related condition.

Allele frequency attached by ClinVar (database versions not stated): ExAC 0.00001; TOPMed 0.00001; gnomAD exomes 0.00002.
gnomAD v4.1: 25 of 1,614,160 alleles (0.0015%); highest among the groups gnomAD compares: Non-Finnish European, 0.0021%; no homozygotes.

Submission:

PreventionGenetics, part of Exact Sciences
Classification: Likely benign for SF3B4-related condition. Last evaluated: 2022-03-28. Review status: no assertion criteria provided. Collection method: clinical testing. Allele origin: germline.
Comment: This variant is classified as likely benign based on ACMG/AMP sequence variant interpretation guidelines (Richards et al. 2015 PMID: 25741868, with internal and published modifications).